The following is an entry in ClinVar:

ClinVar aggregate classification (germline): Uncertain significance (1 of 4 stars; one submission).

Allele frequency attached by ClinVar (database versions not stated): gnomAD 0.00001; gnomAD exomes 0.00001 and 0.00002; ExAC 0.00002; TOPMed 0.00002.
gnomAD v4.1: 9 of 1,614,072 alleles (0.00056%); highest among the groups gnomAD compares: Admixed American, 0.012%; no homozygotes.

Submission:

Labcorp Genetics (formerly Invitae), Labcorp
Classification: Uncertain significance. Last evaluated: 2022-12-06. Review status: criteria provided, single submitter. Criteria: Invitae Variant Classification Sherloc (09022015). Collection method: clinical testing. Allele origin: germline.
Comment: This sequence change replaces proline, which is neutral and non-polar, with alanine, which is neutral and non-polar, at codon 130 of the TAB2 protein (p.Pro130Ala). This variant is present in population databases (rs755789570, gnomAD 0.02%). In summary, the available evidence is currently insufficient to determine the role of this variant in disease. Therefore, it has been classified as a Variant of Uncertain Significance. Advanced modeling of protein sequence and biophysical properties (such as structural, functional, and spatial information, amino acid conservation, physicochemical variation, residue mobility, and thermodynamic stability) performed at Invitae indicates that this missense variant is not expected to disrupt TAB2 protein function. ClinVar contains an entry for this variant (Variation ID: 1414562). This variant has not been reported in the literature in individuals affected with TAB2-related conditions.

NM_001292034.3(TAB2):c.388C>G (p.Pro130Ala)

Gene: TAB2 (TGF-beta activated kinase 1 (MAP3K7) binding protein 2; plus strand). Cytogenetic location: 6q25.1.
Variant type: single nucleotide variant.
Coding change: c.388C>G on transcript NM_001292034.3 (MANE Select); coding-DNA position 388, C replaced by G.
Protein change: p.Pro130Ala; replaces proline 130 with alanine.
Molecular consequence: missense variant.
Genome position (GRCh38, 1-based): chr6:149,378,303, C>G. VCF-style: chr6-149378303-C-G. GRCh37 (hg19) VCF-style: chr6-149699439-C-G.
Other names: c.292C>G, p.Pro98Ala (NM_001292035.3); c.388C>G, p.Pro130Ala (NM_001369506.1, NM_015093.6); short protein forms P130A, P98A.
Identifiers: ClinVar variation 1414562 (VCV001414562.6), dbSNP rs755789570, ClinGen allele CA4041396.